The following is an entry in ClinVar:

NM_006121.4(KRT1):c.1416G>A (p.Lys472=)

Gene: KRT1 (keratin 1; minus strand). Cytogenetic location: 12q13.13.
Variant type: single nucleotide variant.
Coding change: c.1416G>A on transcript NM_006121.4 (MANE Select); coding-DNA position 1416, G replaced by A.
Protein change: p.Lys472=; no amino-acid change (lysine 472 retained).
Molecular consequence: synonymous variant.
Genome position (GRCh38, 1-based): chr12:52,676,334, C>T on the plus strand (G>A on the coding strand, the complement: KRT1 is on the minus strand). VCF-style: chr12-52676334-C-T. GRCh37 (hg19) VCF-style: chr12-53070118-C-T.
Identifiers: ClinVar variation 3388680 (VCV003388680.14).
Genomic context (GRCh38, chr12:52,676,334, plus strand): 5'-CCTGCTTTCTTCTCCCTCCAGGAGGGTCCTGTAGGTGGCAATCTCCAGATCCAGGGCCAG[C>T]TTTGTGTTCATCAGCTCCTGGTAGTCGCGCAGCAGGCGGGCCAGGTCTTCCTTGGCCTGC-3'
Protein context (NP_006112.3, residues 462-482): LRDYQELMNT[Lys472=]LALDLEIATY

ClinVar aggregate classification (germline): Likely benign (1 of 4 stars; one submission).

gnomAD v4.1: 4 of 1,614,170 alleles (0.00025%); highest among the groups gnomAD compares: Non-Finnish European, 0.00017%; no homozygotes.

Submission:

CeGaT Center for Human Genetics Tuebingen
Classification: Likely benign. Last evaluated: 2024-10-01. Review status: criteria provided, single submitter. Criteria: CeGaT Center For Human Genetics Tuebingen Variant Classification Criteria Version 2. Collection method: clinical testing. Allele origin: germline. Affected: yes. Observed: 1 variant allele.
Comment: KRT1: BP4, BP7